The following is an entry in ClinVar:

NM_000092.5(COL4A4):c.1424G>T (p.Gly475Val)

Gene: COL4A4 (collagen type IV alpha 4 chain; minus strand). Cytogenetic location: 2q36.3.
Variant type: single nucleotide variant.
Coding change: c.1424G>T on transcript NM_000092.5 (MANE Select); coding-DNA position 1424, G replaced by T.
Protein change: p.Gly475Val; replaces glycine 475 with valine.
Molecular consequence: missense variant.
Genome position (GRCh38, 1-based): chr2:227,089,903, C>A on the plus strand (G>T on the coding strand, the complement: COL4A4 is on the minus strand). VCF-style: chr2-227089903-C-A. GRCh37 (hg19) VCF-style: chr2-227954619-C-A.
Other names: short protein forms G475V.
Identifiers: ClinVar variation 599080 (VCV000599080.5), dbSNP rs1559594442, ClinGen allele CA350850490.

ClinVar aggregate classification (germline): Likely pathogenic. Review status: criteria provided, single submitter (1 of 4 stars). 2 submissions from 2 submitters: Likely pathogenic (1). 1 of the submissions does not count toward it. Last evaluated 2023-08-15.

Conditions:
Autosomal dominant Alport syndrome (ATS3A). Also called: ALPORT SYNDROME 3A, AUTOSOMAL DOMINANT; Alport syndrome dominant type; Renal failure and sensorineural hearing loss. Identifiers: Orphanet 63, Orphanet 88918, MedGen C5882663, MONDO:0007086, OMIM 104200.

Submissions (2):

Labcorp Genetics (formerly Invitae), Labcorp
Classification: Likely pathogenic. Last evaluated: 2023-08-15. Review status: criteria provided, single submitter. Criteria: Invitae Variant Classification Sherloc (09022015). Collection method: clinical testing. Allele origin: germline.
Comment: In summary, the currently available evidence indicates that the variant is pathogenic, but additional data are needed to prove that conclusively. Therefore, this variant has been classified as Likely Pathogenic. This variant disrupts the p.Gly475 amino acid residue in COL4A4. Other variant(s) that disrupt this residue have been determined to be pathogenic (PMID: 31934206). This suggests that this residue is clinically significant, and that variants that disrupt this residue are likely to be disease-causing. Advanced modeling of protein sequence and biophysical properties (such as structural, functional, and spatial information, amino acid conservation, physicochemical variation, residue mobility, and thermodynamic stability) performed at Invitae indicates that this missense variant is expected to disrupt COL4A4 protein function. ClinVar contains an entry for this variant (Variation ID: 599080). This variant has not been reported in the literature in individuals affected with COL4A4-related conditions. This variant is not present in population databases (gnomAD no frequency). This sequence change replaces glycine, which is neutral and non-polar, with valine, which is neutral and non-polar, at codon 475 of the COL4A4 protein (p.Gly475Val).

Bioscientia Institut fuer Medizinische Diagnostik GmbH, Sonic Healthcare
Classification: Likely pathogenic for Autosomal dominant Alport syndrome. Last evaluated: 2018-02-19. Review status: no assertion criteria provided. Collection method: clinical testing. Allele origin: germline. Affected: yes. Not counted in ClinVar's aggregate classification.

Literature cited by the submitters: PubMed 31934206 (cited by Labcorp Genetics (formerly Invitae), Labcorp).